The following is an entry in ClinVar:

ClinVar aggregate classification (germline): Uncertain significance. Review status: criteria provided, multiple submitters, no conflicts (2 of 4 stars). 2 submissions from 2 submitters: Uncertain significance (2). Last evaluated 2025-01-07.

Conditions:
Inborn genetic diseases. Identifiers: MedGen C0950123, MeSH D030342.

Allele frequency attached by ClinVar (database versions not stated): gnomAD exomes below 0.00001.
gnomAD v4.1: 1 of 1,551,684 alleles (0.000064%); highest among the groups gnomAD compares: South Asian, 0.0012%; no homozygotes.

Submissions (2):

Ambry Genetics
Classification: Uncertain significance for Inborn genetic diseases. Last evaluated: 2025-01-07. Review status: criteria provided, single submitter. Criteria: Ambry Variant Classification Scheme 2023. Collection method: clinical testing. Allele origin: germline.

GeneDx
Classification: Uncertain significance. Last evaluated: 2023-01-05. Review status: criteria provided, single submitter. Criteria: GeneDx Variant Classification Process June 2021. Collection method: clinical testing. Allele origin: germline. Affected: yes.
Comment: Not observed at significant frequency in large population cohorts (gnomAD); In silico analysis supports that this missense variant does not alter protein structure/function; Has not been previously published as pathogenic or benign to our knowledge

NM_020928.2(ZSWIM6):c.3518G>A (p.Ser1173Asn)

Gene: ZSWIM6 (zinc finger SWIM-type containing 6; plus strand). Cytogenetic location: 5q12.1.
Variant type: single nucleotide variant.
Coding change: c.3518G>A on transcript NM_020928.2 (MANE Select); coding-DNA position 3518, G replaced by A.
Protein change: p.Ser1173Asn; replaces serine 1173 with asparagine.
Molecular consequence: missense variant.
Genome position (GRCh38, 1-based): chr5:61,544,187, G>A. VCF-style: chr5-61544187-G-A. GRCh37 (hg19) VCF-style: chr5-60840014-G-A.
Other names: short protein forms S1173N.
Identifiers: ClinVar variation 1810441 (VCV001810441.2), dbSNP rs2478409832, ClinGen allele CA359947785.